The following is an entry in ClinVar:

ClinVar aggregate classification (germline): Uncertain significance (1 of 4 stars; one submission).

Allele frequency attached by ClinVar (database versions not stated): TOPMed below 0.00001; gnomAD 0.00001; gnomAD exomes 0.00002.

Submission:

GeneDx
Classification: Uncertain significance. Last evaluated: 2022-06-29. Review status: criteria provided, single submitter. Criteria: GeneDx Variant Classification Process June 2021. Collection method: clinical testing. Allele origin: germline. Affected: yes.
Comment: Not observed at significant frequency in large population cohorts (gnomAD); In silico analysis supports that this missense variant does not alter protein structure/function; Has not been previously published as pathogenic or benign to our knowledge

NM_001173467.3(SP7):c.1129G>A (p.Gly377Arg)

Gene: SP7 (Sp7 transcription factor; minus strand). Cytogenetic location: 12q13.13.
Variant type: single nucleotide variant.
Coding change: c.1129G>A on transcript NM_001173467.3 (MANE Select); coding-DNA position 1129, G replaced by A.
Protein change: p.Gly377Arg; replaces glycine 377 with arginine.
Molecular consequence: missense variant.
Genome position (GRCh38, 1-based): chr12:53,328,313, C>T on the plus strand (G>A on the coding strand, the complement: SP7 is on the minus strand). VCF-style: chr12-53328313-C-T. GRCh37 (hg19) VCF-style: chr12-53722097-C-T.
Other names: c.1075G>A, p.Gly359Arg (NM_001300837.2); c.1129G>A, p.Gly377Arg (NM_152860.2); short protein forms G359R, G377R.
Identifiers: ClinVar variation 1810161 (VCV001810161.1), dbSNP rs1366992512, ClinGen allele CA385051318.